The following is an entry in ClinVar:

ClinVar aggregate classification (germline): Likely benign (1 of 4 stars; one submission).

Submission:

CeGaT Center for Human Genetics Tuebingen
Classification: Likely benign. Last evaluated: 2024-01-01. Review status: criteria provided, single submitter. Criteria: CeGaT Center For Human Genetics Tuebingen Variant Classification Criteria Version 2. Collection method: clinical testing. Allele origin: germline. Affected: yes. Observed: 1 variant allele.
Comment: ADAMTS18: PM2:Supporting, BP4, BP7

NM_199355.4(ADAMTS18):c.1446C>T (p.Leu482=)

Gene: ADAMTS18 (ADAM metallopeptidase with thrombospondin type 1 motif 18; minus strand). Cytogenetic location: 16q23.1.
Variant type: single nucleotide variant.
Coding change: c.1446C>T on transcript NM_199355.4 (MANE Select); coding-DNA position 1446, C replaced by T.
Protein change: p.Leu482=; no amino-acid change (leucine 482 retained).
Molecular consequence: synonymous variant.
Genome position (GRCh38, 1-based): chr16:77,355,954, G>A on the plus strand (C>T on the coding strand, the complement: ADAMTS18 is on the minus strand). VCF-style: chr16-77355954-G-A. GRCh37 (hg19) VCF-style: chr16-77389851-G-A.
Other names: c.930C>T, p.Leu310= (NM_001326358.2).
Identifiers: ClinVar variation 3026897 (VCV003026897.22), dbSNP rs2543726534, ClinGen allele CA496593084.
Genomic context (GRCh38, chr16:77,355,954, plus strand): 5'-TCATCACTCCAAACCTAGGAGCACCCCAGGATTTAACCTGTCATACCTGAGGAATTTCTT[G>A]AGATACTGGCGGCTGCAGGAAGACCATGAAAACACTCCATTGTTTCCGGTCAGTGTGGGA-3'
Protein context (NP_955387.1, residues 472-492): FSWSSCSRQY[Leu482=]KKFLSTPQAG